The following is an entry in ClinVar:

NM_000443.4(ABCB4):c.3747_3748del (p.Arg1249fs)

Gene: ABCB4 (ATP binding cassette subfamily B member 4; minus strand). Cytogenetic location: 7q21.12.
Variant type: Microsatellite.
Coding change: c.3747_3748del on transcript NM_000443.4 (MANE Select); coding-DNA positions 3747 to 3748, 2 bases deleted (AG; older notation c.3747_3748delAG).
Protein change: p.Arg1249fs; shifts the reading frame from arginine 1249.
Molecular consequence: frameshift variant.
Genome position (GRCh38, 1-based): chr7:87,402,188-87,402,189, CT deleted on the plus strand (AG on the coding strand, the reverse complement: ABCB4 is on the minus strand); deleting any 2 consecutive bases within chr7:87,402,188-87,402,192 gives the same sequence; the c. name uses the placement nearest the transcript's 3' end. VCF-style (leftmost placement, unchanged base first): chr7-87402187-ACT-A. GRCh37 (hg19) VCF-style: chr7-87031503-ACT-A.
Other names: c.3768_3769del, p.Arg1256fs (NM_018849.3); c.3606_3607del, p.Arg1202fs (NM_018850.3); short protein forms R1202fs, R1249fs, R1256fs.
Identifiers: ClinVar variation 4846599 (VCV004846599.2).
Genomic context (GRCh38, chr7:87,402,187, plus strand): 5'-ACCATTGAAAAATAGATGCCTTTCTGTGCCAGCAGCTGCTGATGCGTGCCATGCTCCTTG[ACT>A]CTCCCATTCTGAAACACCACTATTAAGTCTGCATTCTGGATGGTGGACAGGCGGTGAGCA-3'

ClinVar aggregate classification (germline): Uncertain significance. Review status: criteria provided, multiple submitters, no conflicts (2 of 4 stars). 2 submissions from 2 submitters: Uncertain significance (2). Last evaluated 2026-04-14.

Conditions:
Familial intrahepatic cholestasis. Identifiers: Orphanet 284385, MedGen CN296401, MONDO:0017290.

Submissions (2):

Genomenon, Inc
Classification: Uncertain significance for Familial intrahepatic cholestasis. Last evaluated: 2026-04-14. Review status: criteria provided, single submitter. Criteria: Genomenon Sequence Variant Interpretation Standards - Updated. Collection method: curation. Allele origin: germline. Affected: yes.
Comment: ABCB4 p.Arg1249SerfsTer39 (c.3747_3748del) is a frameshift variant that results in the production of an extended protein product. This variant has been observed in at least one proband with an ABCB4-related disorder (PMID:32376413). It is absent or not present at a significant frequency in gnomAD. In conclusion, we classify ABCB4 p.Arg1249SerfsTer39 (c.3747_3748del) as a variant of uncertain significance.

Blueprint Genetics
Classification: Uncertain significance. Last evaluated: 2021-01-07. Review status: criteria provided, single submitter. Criteria: ACMG Guidelines, 2015. Collection method: clinical testing. Allele origin: germline.

Literature cited by the submitters: PubMed 32376413 (cited by Genomenon, Inc).